The following is an entry in ClinVar:

NM_001151.4(SLC25A4):c.*512A>G

Gene: SLC25A4 (solute carrier family 25 member 4; plus strand). Cytogenetic location: 4q35.1.
Variant type: single nucleotide variant.
Coding change: c.*512A>G on transcript NM_001151.4 (MANE Select); 512 bases downstream of the stop codon, A replaced by G.
Molecular consequence: 3 prime UTR variant.
Genome position (GRCh38, 1-based): chr4:185,147,483, A>G. VCF-style: chr4-185147483-A-G. GRCh37 (hg19) VCF-style: chr4-186068637-A-G.
Identifiers: ClinVar variation 348256 (VCV000348256.6), dbSNP rs7660552, ClinGen allele CA10617471.

ClinVar aggregate classification (germline): Benign. Review status: criteria provided, multiple submitters, no conflicts (2 of 4 stars). 2 submissions from 2 submitters: Benign (2). Last evaluated 2018-01-12.

Conditions:
Progressive external ophthalmoplegia with mitochondrial DNA deletions, autosomal dominant 2. Also called: PROGRESSIVE EXTERNAL OPHTHALMOPLEGIA, AUTOSOMAL DOMINANT 2. Identifiers: MedGen C1836460, MONDO:0012238, OMIM 609283.

Allele frequency attached by ClinVar (database versions not stated): gnomAD exomes 0.88329; gnomAD 0.90870 and 0.90879; TOPMed 0.91862; 1000 Genomes Project 0.93650; 1000 Genomes Project 30x 0.93754.
gnomAD v4.1: 141,850 of 156,198 alleles (91%); highest among the groups gnomAD compares: African/African-American, 98%; 64,629 homozygotes.

Submissions (2):

Illumina Laboratory Services, Illumina
Classification: Benign for Progressive external ophthalmoplegia with mitochondrial DNA deletions, autosomal dominant 2. Last evaluated: 2018-01-12. Review status: criteria provided, single submitter. Criteria: ICSL Variant Classification Criteria 13 December 2019. Collection method: clinical testing. Allele origin: germline.
Comment: This variant was observed in the ICSL laboratory as part of a predisposition screen in an ostensibly healthy population. It had not been previously curated by ICSL or reported in the Human Gene Mutation Database (HGMD: prior to June 1st, 2018), and was therefore a candidate for classification through an automated scoring system. Utilizing variant allele frequency, disease prevalence and penetrance estimates, and inheritance mode, an automated score was calculated to assess if this variant is too frequent to cause the disease. Based on the score and internal cut-off values, a variant classified as benign is not then subjected to further curation. The score for this variant resulted in a classification of benign for this disease.

Breakthrough Genomics
Classification: Benign. Review status: criteria provided, single submitter. Criteria: ACMG Guidelines, 2015. Collection method: not provided. Allele origin: germline. Inheritance: Autosomal recessive inheritance. Affected: yes.